The following is an entry in ClinVar:

NM_006231.4(POLE):c.2020G>C (p.Glu674Gln)

Gene: POLE (DNA polymerase epsilon, catalytic subunit; minus strand). Cytogenetic location: 12q24.33.
Variant type: single nucleotide variant.
Coding change: c.2020G>C on transcript NM_006231.4 (MANE Select); coding-DNA position 2020, G replaced by C.
Protein change: p.Glu674Gln; replaces glutamic acid 674 with glutamine.
Molecular consequence: missense variant.
Genome position (GRCh38, 1-based): chr12:132,668,641, C>G on the plus strand (G>C on the coding strand, the complement: POLE is on the minus strand). VCF-style: chr12-132668641-C-G. GRCh37 (hg19) VCF-style: chr12-133245227-C-G.
Other names: c.2020G>C (NM_006231.2); short protein forms E674Q.
Identifiers: ClinVar variation 1061621 (VCV001061621.10), dbSNP rs779458859, ClinGen allele CA387354660.
Genomic context (GRCh38, chr12:132,668,641, plus strand): 5'-GACACTCACCCACCCGTTTCCCACCGAGTGCCCACCCAGGCGGCCGACACTCACTGAACT[C>G]GCCCCTCCACTGCCAGGCCATCTTCCGCTGGCAGTTTGCTCCAGGCTTATTGAAGTCACA-3'
Protein context (NP_006222.2, residues 664-684): QRKMAWQWRG[Glu674Gln]FMPASRSEYH

ClinVar aggregate classification (germline): Uncertain significance. Review status: criteria provided, multiple submitters, no conflicts (2 of 4 stars). 2 submissions from 2 submitters: Uncertain significance (2). Last evaluated 2024-11-10.

Conditions:
Hereditary cancer-predisposing syndrome. Also called: Neoplastic Syndromes, Hereditary; Hereditary Cancer Syndrome; Hereditary neoplastic syndrome; Tumor predisposition. Identifiers: Orphanet 140162, MedGen C0027672, MeSH D009386, MONDO:0015356.

Submissions (2):

Ambry Genetics
Classification: Uncertain significance for Hereditary cancer-predisposing syndrome. Last evaluated: 2024-11-10. Review status: criteria provided, single submitter. Criteria: Ambry Variant Classification Scheme 2023. Collection method: clinical testing. Allele origin: germline.
Comment: The p.E674Q variant (also known as c.2020G>C), located in coding exon 18 of the POLE gene, results from a G to C substitution at nucleotide position 2020. The glutamic acid at codon 674 is replaced by glutamine, an amino acid with highly similar properties. This amino acid position is conserved. In addition, the in silico prediction for this alteration is inconclusive. Based on the available evidence, the clinical significance of this variant remains unclear.

Labcorp Genetics (formerly Invitae), Labcorp
Classification: Uncertain significance. Last evaluated: 2022-06-29. Review status: criteria provided, single submitter. Criteria: Invitae Variant Classification Sherloc (09022015). Collection method: clinical testing. Allele origin: germline.
Comment: This variant is not present in population databases (gnomAD no frequency). This sequence change replaces glutamic acid, which is acidic and polar, with glutamine, which is neutral and polar, at codon 674 of the POLE protein (p.Glu674Gln). This variant has not been reported in the literature in individuals affected with POLE-related conditions. ClinVar contains an entry for this variant (Variation ID: 1061621). Algorithms developed to predict the effect of missense changes on protein structure and function (SIFT, PolyPhen-2, Align-GVGD) all suggest that this variant is likely to be disruptive. In summary, the available evidence is currently insufficient to determine the role of this variant in disease. Therefore, it has been classified as a Variant of Uncertain Significance.